The following is an entry in ClinVar:

NM_000426.4(LAMA2):c.3037+5G>A

Gene: LAMA2 (laminin subunit alpha 2; plus strand). Cytogenetic location: 6q22.33.
Variant type: single nucleotide variant.
Coding change: c.3037+5G>A on transcript NM_000426.4 (MANE Select); 5 bases into the intron after coding-DNA position 3037, G replaced by A.
Molecular consequence: intron variant.
Genome position (GRCh38, 1-based): chr6:129,297,870, G>A. VCF-style: chr6-129297870-G-A. GRCh37 (hg19) VCF-style: chr6-129619015-G-A.
Other names: c.3037+5G>A (NM_001079823.2).
Identifiers: ClinVar variation 1513994 (VCV001513994.3), dbSNP rs2114451628, ClinGen allele CA2573140458.

ClinVar aggregate classification (germline): Uncertain significance (1 of 4 stars; one submission).

Conditions:
LAMA2-related muscular dystrophy (LAMA2-RD). Also called: Laminin alpha 2-related dystrophy. Identifiers: MedGen C5679788, MONDO:0100228.

Allele frequency attached by ClinVar (database versions not stated): gnomAD exomes below 0.00001.
gnomAD v4.1: 1 of 1,612,228 alleles (0.000062%); highest among the groups gnomAD compares: South Asian, 0.0011%; no homozygotes.

Submission:

Labcorp Genetics (formerly Invitae), Labcorp
Classification: Uncertain significance for LAMA2-related muscular dystrophy. Last evaluated: 2021-01-02. Review status: criteria provided, single submitter. Criteria: Invitae Variant Classification Sherloc (09022015). Collection method: clinical testing. Allele origin: germline.
Comment: This sequence change falls in intron 21 of the LAMA2 gene. It does not directly change the encoded amino acid sequence of the LAMA2 protein. It affects a nucleotide within the consensus splice site of the intron. This variant is not present in population databases (ExAC no frequency). This variant has not been reported in the literature in individuals with LAMA2-related conditions. Nucleotide substitutions within the consensus splice site are a relatively common cause of aberrant splicing (PMID: 17576681, 9536098). Algorithms developed to predict the effect of sequence changes on RNA splicing suggest that this variant may disrupt the consensus splice site, but this prediction has not been confirmed by published transcriptional studies. In summary, the available evidence is currently insufficient to determine the role of this variant in disease. Therefore, it has been classified as a Variant of Uncertain Significance.

Literature cited by the submitters: PubMed 17576681; PubMed 9536098.